The following is an entry in ClinVar:

ClinVar aggregate classification (germline): Uncertain significance. Review status: criteria provided, single submitter (1 of 4 stars). 3 submissions from 3 submitters: Uncertain significance (1). 2 of the submissions do not count toward it. Last evaluated 2017-05-09.

Conditions:
Cardiovascular phenotype. Identifiers: MedGen CN230736.

Allele frequency attached by ClinVar (database versions not stated): TOPMed below 0.00001; ExAC 0.00001; gnomAD 0.00001; gnomAD exomes 0.00001.
gnomAD v4.1: 9 of 1,613,138 alleles (0.00056%); highest among the groups gnomAD compares: Middle Eastern, 0.016%; no homozygotes.

Submissions (3):

Ambry Genetics
Classification: Uncertain significance for Cardiovascular phenotype. Last evaluated: 2017-05-09. Review status: criteria provided, single submitter. Criteria: Ambry Variant Classification Scheme 2023. Collection method: clinical testing. Allele origin: germline.
Comment: The p.N5685S variant (also known as c.17054A>G), located in coding exon 66 of the TTN gene, results from an A to G substitution at nucleotide position 17054. The asparagine at codon 5685 is replaced by serine, an amino acid with highly similar properties. This amino acid position is highly conserved in available vertebrate species. In addition, this alteration is predicted to be tolerated by in silico analysis. Since supporting evidence is limited at this time, the clinical significance of this alteration remains unclear.

Clinical Genetics, Academic Medical Center
Classification: Uncertain significance. Review status: no assertion criteria provided. Collection method: clinical testing. Allele origin: germline. Affected: yes. Study: VKGL Data-share Consensus. Not counted in ClinVar's aggregate classification.

Diagnostic Laboratory, Department of Genetics, University Medical Center Groningen
Classification: Uncertain significance. Review status: no assertion criteria provided. Collection method: clinical testing. Allele origin: germline. Affected: yes. Study: VKGL Data-share Consensus. Not counted in ClinVar's aggregate classification.

NM_001267550.2(TTN):c.44249A>G (p.Asn14750Ser)

Gene: TTN (titin; minus strand). Cytogenetic location: 2q31.2.
Variant type: single nucleotide variant.
Coding change: c.44249A>G on transcript NM_001267550.2 (MANE Select); coding-DNA position 44249, A replaced by G.
Protein change: p.Asn14750Ser; replaces asparagine 14750 with serine.
Molecular consequence: missense variant.
Genome position (GRCh38, 1-based): chr2:178,630,273, T>C on the plus strand (A>G on the coding strand, the complement: TTN is on the minus strand). VCF-style: chr2-178630273-T-C. GRCh37 (hg19) VCF-style: chr2-179495000-T-C.
Other names: c.39326A>G, p.Asn13109Ser (NM_001256850.1); c.17054A>G, p.Asn5685Ser (NM_003319.4); c.36545A>G, p.Asn12182Ser (NM_133378.4); c.17429A>G, p.Asn5810Ser (NM_133432.3); c.17630A>G, p.Asn5877Ser (NM_133437.4); short protein forms N14750S, N5685S, N12182S, N5877S, N13109S, N5810S.
Identifiers: ClinVar variation 519161 (VCV000519161.8), dbSNP rs767633080, ClinGen allele CA1995710.